The following is an entry in ClinVar:

NM_004329.3(BMPR1A):c.231-9C>A

Gene: BMPR1A (bone morphogenetic protein receptor type 1A; plus strand). Cytogenetic location: 10q23.2.
Variant type: single nucleotide variant.
Coding change: c.231-9C>A on transcript NM_004329.3 (MANE Select); 9 bases into the intron before coding-DNA position 231, C replaced by A.
Molecular consequence: intron variant.
Genome position (GRCh38, 1-based): chr10:86,892,118, C>A. VCF-style: chr10-86892118-C-A. GRCh37 (hg19) VCF-style: chr10-88651875-C-A.
Identifiers: ClinVar variation 1097654 (VCV001097654.10), dbSNP rs763313220, ClinGen allele CA669472051.

ClinVar aggregate classification (germline): Conflicting classifications of pathogenicity. Review status: criteria provided, conflicting classifications (1 of 4 stars). 2 submissions from 2 submitters: Uncertain significance (1); Likely benign (1). Last evaluated 2025-07-21.

Conditions:
Juvenile polyposis syndrome (JPS). Identifiers: Orphanet 2929, MedGen C0345893, MONDO:0017380, OMIM 174900.

gnomAD v4.1: 12 of 1,605,124 alleles (0.00075%); highest among the groups gnomAD compares: Non-Finnish European, 0.001%; no homozygotes.

Submissions (2):

Labcorp Genetics (formerly Invitae), Labcorp
Classification: Likely benign for Juvenile polyposis syndrome. Last evaluated: 2025-07-21. Review status: criteria provided, single submitter. Criteria: Invitae Variant Classification Sherloc (09022015). Collection method: clinical testing. Allele origin: germline.

All of Us Research Program, National Institutes of Health
Classification: Uncertain significance for Juvenile polyposis syndrome. Last evaluated: 2023-11-20. Review status: criteria provided, single submitter. Criteria: ACMG Guidelines, 2015. Collection method: clinical testing. Allele origin: germline. Inheritance: Autosomal dominant inheritance. Observed: 1 variant allele, 1 heterozygote.
Comment: This variant causes a C to A nucleotide substitution at the -9 position of intron 4 of the BMPR1A gene. To our knowledge, functional studies have not been reported for this variant. This variant has not been reported in individuals affected with BMPR1A-related disorders in the literature. This variant has not been identified in the general population by the Genome Aggregation Database (gnomAD). The available evidence is insufficient to determine the role of this variant in disease conclusively. Therefore, this variant is classified as a Variant of Uncertain Significance.

This study involves interpretation of variants in research participants for the purpose of population health screening. Participant phenotype was not available at the time of variant classification. Additional details can be found in publication PMID: 35346344, PMCID: PMC8962531